The following is an entry in ClinVar:

NM_001042492.3(NF1):c.960T>A (p.Ala320=)

Gene: NF1 (neurofibromin 1; plus strand). Cytogenetic location: 17q11.2.
Variant type: single nucleotide variant.
Coding change: c.960T>A on transcript NM_001042492.3 (MANE Select); coding-DNA position 960, T replaced by A.
Protein change: p.Ala320=; no amino-acid change (alanine 320 retained).
Molecular consequence: synonymous variant.
Genome position (GRCh38, 1-based): chr17:31,200,493, T>A. VCF-style: chr17-31200493-T-A. GRCh37 (hg19) VCF-style: chr17-29527511-T-A.
Other names: c.960T>A, p.Ala320= (NM_000267.4, NM_001128147.3).
Identifiers: ClinVar variation 187496 (VCV000187496.15), dbSNP rs376447070, ClinGen allele CA197789.

ClinVar aggregate classification (germline): Benign/Likely benign. Review status: criteria provided, multiple submitters, no conflicts (2 of 4 stars). 5 submissions from 5 submitters: Benign (2); Likely benign (3). Last evaluated 2026-05-15.

Conditions:
Hereditary cancer-predisposing syndrome. Also called: Tumor predisposition; Neoplastic Syndromes, Hereditary; Hereditary neoplastic syndrome; Hereditary Cancer Syndrome. Identifiers: Orphanet 140162, MedGen C0027672, MeSH D009386, MONDO:0015356.
Neurofibromatosis, type 1 (NF1). Also called: NEUROFIBROMATOSIS, TYPE I, SOMATIC; Peripheral type neurofibromatosis; VON RECKLINGHAUSEN DISEASE; Neurofibromatosis, type I. Identifiers: Orphanet 636, MedGen C0027831, MONDO:0018975, OMIM 162200. Disease mechanism: loss of function.

Allele frequency attached by ClinVar (database versions not stated): TOPMed 0.00002; ESP Exome Variant Server 0.00008; gnomAD 0.00011; gnomAD exomes 0.00018 and 0.00022; ExAC 0.00021.
gnomAD v4.1: 154 of 1,614,082 alleles (0.0095%); highest among the groups gnomAD compares: Non-Finnish European, 0.0013%; no homozygotes.

Submissions (5):

Myriad Genetics, Inc.
Classification: Benign for Neurofibromatosis, type 1. Last evaluated: 2026-05-15. Review status: criteria provided, single submitter. Criteria: Myriad Autosomal Dominant, Autosomal Recessive and X-Linked Classification Criteria (2023). Collection method: clinical testing. Allele origin: unknown.
Comment: This variant is considered benign. This variant is a silent/synonymous amino acid change and it is not expected to impact splicing.

Labcorp Genetics (formerly Invitae), Labcorp
Classification: Benign for Neurofibromatosis, type 1. Last evaluated: 2026-01-27. Review status: criteria provided, single submitter. Criteria: Invitae Variant Classification Sherloc (09022015). Collection method: clinical testing. Allele origin: germline.

Blueprint Genetics
Classification: Likely benign. Last evaluated: 2024-10-14. Review status: criteria provided, single submitter. Criteria: ACMG Guidelines, 2015. Collection method: clinical testing. Allele origin: germline.

Genome-Nilou Lab
Classification: Likely benign for Neurofibromatosis, type 1. Last evaluated: 2022-03-15. Review status: criteria provided, single submitter. Criteria: ACMG Guidelines, 2015. Collection method: clinical testing. Allele origin: germline. Affected: no.

Ambry Genetics
Classification: Likely benign for Hereditary cancer-predisposing syndrome. Last evaluated: 2014-12-18. Review status: criteria provided, single submitter. Criteria: Ambry Autosomal Dominant and X-Linked criteria (10/2015). Collection method: clinical testing. Allele origin: germline. Observed: 1 variant allele.